The following is an entry in ClinVar:

ClinVar aggregate classification (germline): Pathogenic (1 of 4 stars; one submission).

Conditions:
Autosomal recessive limb-girdle muscular dystrophy. Identifiers: Orphanet 102015, MedGen C2931907, MONDO:0015152.

gnomAD v4.1: 1 of 1,613,750 alleles (0.000062%); highest among the groups gnomAD compares: Non-Finnish European, 0.000085%; no homozygotes.

Submission:

Myriad Genetics, Inc.
Classification: Pathogenic for Autosomal recessive limb-girdle muscular dystrophy. Last evaluated: 2025-09-15. Review status: criteria provided, single submitter. Criteria: Myriad Autosomal Dominant, Autosomal Recessive and X-Linked Classification Criteria (2023). Collection method: clinical testing. Allele origin: unknown.
Comment: NM_003494.3(DYSF):c.4003G>T(E1335*) is a nonsense variant classified as pathogenic in the context of dysferlinopathy. E1335* has been observed in cases with relevant disease (PMID: 32400077). Relevant functional assessments of this variant are not available in the literature. E1335* has not been observed in referenced population frequency databases. In summary, NM_003494.3(DYSF):c.4003G>T(E1335*) is a nonsense variant in a gene where loss of function is a known mechanism of disease, is predicted to disrupt protein function, and has been observed more frequently in cases with the relevant disease than in healthy populations. Please note: this variant was assessed in the context of healthy population screening.

Literature cited by the submitters: PubMed 32400077.

NM_001130987.2(DYSF):c.4057G>T (p.Glu1353Ter)

Gene: DYSF (dysferlin; plus strand). Cytogenetic location: 2p13.2.
Variant type: single nucleotide variant.
Coding change: c.4057G>T on transcript NM_001130987.2 (MANE Select); coding-DNA position 4057, G replaced by T.
Protein change: p.Glu1353Ter; replaces glutamic acid 1353 with a stop codon.
Molecular consequence: nonsense.
Genome position (GRCh38, 1-based): chr2:71,611,344, G>T. VCF-style: chr2-71611344-G-T. GRCh37 (hg19) VCF-style: chr2-71838474-G-T.
Other names: c.4006G>T, p.Glu1336Ter (NM_001130455.2, NM_001130983.2); c.3961G>T, p.Glu1321Ter (NM_001130976.2, NM_001130977.2); c.4003G>T, p.Glu1335Ter (NM_001130978.2, NM_003494.4); c.4096G>T, p.Glu1366Ter (NM_001130979.2); c.4054G>T, p.Glu1352Ter (NM_001130980.2, NM_001130981.2); c.4099G>T, p.Glu1367Ter (NM_001130982.2); c.3964G>T, p.Glu1322Ter (NM_001130984.2, NM_001130986.2); c.4057G>T, p.Glu1353Ter (NM_001130985.2); short protein forms E1321*, E1322*, E1352*, E1367*, E1353*, E1366*, E1336*, E1335*.
Identifiers: ClinVar variation 5003246 (VCV005003246.1).